The following is an entry in ClinVar:

NM_001243133.2(NLRP3):c.977G>T (p.Gly326Val)

Gene: NLRP3 (NLR family pyrin domain containing 3; plus strand). Cytogenetic location: 1q44.
Variant type: single nucleotide variant.
Coding change: c.977G>T on transcript NM_001243133.2 (MANE Select); coding-DNA position 977, G replaced by T.
Protein change: p.Gly326Val; replaces glycine 326 with valine.
Molecular consequence: missense variant.
Genome position (GRCh38, 1-based): chr1:247,424,426, G>T. VCF-style: chr1-247424426-G-T. GRCh37 (hg19) VCF-style: chr1-247587728-G-T.
Other names: c.977G>T, p.Gly326Val (NM_001079821.3, NM_001127461.3, NM_001127462.3 and 1 more transcripts); c.983G>T, p.Gly328Val (NM_004895.5); short protein forms G326V, G328V.
Identifiers: ClinVar variation 957963 (VCV000957963.11), dbSNP rs180177456, ClinGen allele CA345555837.

ClinVar aggregate classification (germline): Uncertain significance. Review status: criteria provided, multiple submitters, no conflicts (2 of 4 stars). 3 submissions from 3 submitters: Uncertain significance (3). Last evaluated 2025-03-25.

Conditions:
Cryopyrin associated periodic syndrome (CAPS). Identifiers: Orphanet 208650, MedGen C2316212, MONDO:0016168.

Allele frequency attached by ClinVar (database versions not stated): gnomAD exomes below 0.00001.
gnomAD v4.1: 4 of 1,614,204 alleles (0.00025%); highest among the groups gnomAD compares: Middle Eastern, 0.049%; no homozygotes.

Submissions (3):

GeneDx
Classification: Uncertain significance. Last evaluated: 2025-03-25. Review status: criteria provided, single submitter. Criteria: GeneDx Variant Classification Process June 2021. Collection method: clinical testing. Allele origin: germline. Affected: yes.
Comment: Not observed at significant frequency in large population cohorts (gnomAD); In silico analysis indicates that this missense variant does not alter protein structure/function; Has not been previously published as pathogenic or benign to our knowledge; Also known as p.(G326V); This variant is associated with the following publications: (PMID: 19302049)

Labcorp Genetics (formerly Invitae), Labcorp
Classification: Uncertain significance for Cryopyrin associated periodic syndrome. Last evaluated: 2025-02-02. Review status: criteria provided, single submitter. Criteria: Invitae Variant Classification Sherloc (09022015). Collection method: clinical testing. Allele origin: germline.
Comment: This sequence change replaces glycine, which is neutral and non-polar, with valine, which is neutral and non-polar, at codon 328 of the NLRP3 protein (p.Gly328Val). This variant is not present in population databases (gnomAD no frequency). This variant has not been reported in the literature in individuals affected with NLRP3-related conditions. ClinVar contains an entry for this variant (Variation ID: 957963). An algorithm developed to predict the effect of missense changes on protein structure and function outputs the following: PolyPhen-2: "Probably Damaging". The valine amino acid residue is found in multiple mammalian species, which suggests that this missense change does not adversely affect protein function. This variant disrupts the p.Gly328 amino acid residue in NLRP3. Other variant(s) that disrupt this residue have been determined to be pathogenic (PMID: 15724022, 24773462, 30338413). This suggests that this residue is clinically significant, and that variants that disrupt this residue are likely to be disease-causing. In summary, the available evidence is currently insufficient to determine the role of this variant in disease. Therefore, it has been classified as a Variant of Uncertain Significance.

Blueprint Genetics
Classification: Uncertain significance. Last evaluated: 2024-08-26. Review status: criteria provided, single submitter. Criteria: ACMG Guidelines, 2015. Collection method: clinical testing. Allele origin: germline.

Literature cited by the submitters: PubMed 15724022 (cited by Labcorp Genetics (formerly Invitae), Labcorp); PubMed 24773462 (cited by Labcorp Genetics (formerly Invitae), Labcorp); PubMed 30338413 (cited by Labcorp Genetics (formerly Invitae), Labcorp).